The following is an entry in ClinVar:

ClinVar aggregate classification (germline): Conflicting classifications of pathogenicity. Review status: criteria provided, conflicting classifications (1 of 4 stars). 3 submissions from 3 submitters: Uncertain significance (2); Likely benign (1). Last evaluated 2025-08-14.

Conditions:
Cardiovascular phenotype. Identifiers: MedGen CN230736.
Arrhythmogenic right ventricular dysplasia 8 (ARVD8). Also called: Arrhythmogenic Right Ventricular Dysplasia/Cardiomyopathy 8; ARRHYTHMOGENIC RIGHT VENTRICULAR DYSPLASIA, FAMILIAL, 8; ARRHYTHMOGENIC RIGHT VENTRICULAR CARDIOMYOPATHY 8. Identifiers: MedGen C1843896, MONDO:0011831, OMIM 607450.
Arrhythmogenic cardiomyopathy with wooly hair and keratoderma. Also called: Dilated cardiomyopathy with woolly hair and keratoderma; Carvajal syndrome; Arrhythmogenic cardiomyopathy with woolly hair and keratoderma; PALMOPLANTAR KERATODERMA WITH LEFT VENTRICULAR CARDIOMYOPATHY AND WOOLLY HAIR. Identifiers: Orphanet 65282, MedGen C1854063, MONDO:0011581, OMIM 605676.
Cardiomyopathy (CMYO). Also called: Cardiomyopathies. Identifiers: Orphanet 167848, MedGen C0878544, MONDO:0004994, HP:0001638. Inheritance: Various modes of inheritance.

Submissions (3):

Color Diagnostics, LLC DBA Color Health
Classification: Uncertain significance for Cardiomyopathy. Last evaluated: 2025-08-14. Review status: criteria provided, single submitter. Criteria: ACMG Guidelines, 2015. Collection method: clinical testing. Allele origin: germline.
Comment: This missense variant replaces methionine with threonine at codon 984 of the DSP protein. Computational prediction is inconclusive regarding the impact of this variant on protein structure and function. To our knowledge, functional studies have not been reported for this variant. This variant has not been reported in individuals affected with DSP-related disorders in the literature. This variant has been identified in 1/251448 chromosomes in the general population by the Genome Aggregation Database (gnomAD). The available evidence is insufficient to determine the role of this variant in disease conclusively. Therefore, this variant is classified as a Variant of Uncertain Significance.

Ambry Genetics
Classification: Uncertain significance for Cardiovascular phenotype. Last evaluated: 2024-04-20. Review status: criteria provided, single submitter. Criteria: Ambry Variant Classification Scheme 2023. Collection method: clinical testing. Allele origin: germline.

Labcorp Genetics (formerly Invitae), Labcorp
Classification: Likely benign for Arrhythmogenic cardiomyopathy with wooly hair and keratoderma; Arrhythmogenic right ventricular dysplasia 8. Last evaluated: 2022-06-10. Review status: criteria provided, single submitter. Criteria: Invitae Variant Classification Sherloc (09022015). Collection method: clinical testing. Allele origin: germline.

NM_004415.4(DSP):c.2951T>C (p.Met984Thr)

Gene: DSP (desmoplakin; plus strand). Cytogenetic location: 6p24.3.
Variant type: single nucleotide variant.
Coding change: c.2951T>C on transcript NM_004415.4 (MANE Select); coding-DNA position 2951, T replaced by C.
Protein change: p.Met984Thr; replaces methionine 984 with threonine.
Molecular consequence: missense variant.
Genome position (GRCh38, 1-based): chr6:7,577,852, T>C. VCF-style: chr6-7577852-T-C. GRCh37 (hg19) VCF-style: chr6-7578085-T-C.
Other names: c.2951T>C, p.Met984Thr (NM_001008844.3, NM_001319034.2); short protein forms M984T.
Identifiers: ClinVar variation 2069527 (VCV002069527.6), dbSNP rs1452300736, ClinGen allele CA362682506.